The following is an entry in ClinVar:

NM_015599.3(PGM3):c.1438_1439delinsAA (p.Ala480Lys)

Genes: DOP1A (DOP1 leucine zipper like protein A; plus strand), PGM3 (phosphoglucomutase 3; minus strand). Cytogenetic location: 6q14.1.
Variant type: Indel.
Coding change: c.1438_1439delinsAA on transcript NM_015599.3 (MANE Select); coding-DNA positions 1438 to 1439, GC replaced by AA.
Protein change: p.Ala480Lys; replaces alanine 480 with lysine.
Molecular consequence: missense variant. On other transcripts: non-coding transcript variant (2).
Genome position (GRCh38, 1-based): chr6:83,170,405-83,170,406, GC replaced by TT on the plus strand (GC replaced by AA on the coding strand, the reverse complement: PGM3 is on the minus strand). VCF-style: chr6-83170405-GC-TT. GRCh37 (hg19) VCF-style: chr6-83880124-GC-TT.
Other names: c.1522_1523delinsAA, p.Ala508Lys (NM_001199917.2, NM_001367287.1); c.1195_1196delinsAA, p.Ala399Lys (NM_001199918.2); c.1438_1439delinsAA, p.Ala480Lys (NM_001199919.2); c.1315_1316delinsAA, p.Ala439Lys (NM_001367286.1); short protein forms A439K, A399K, A480K, A508K.
Identifiers: ClinVar variation 1407501 (VCV001407501.6), dbSNP rs2128479091, ClinGen allele CA2573141272.

ClinVar aggregate classification (germline): Uncertain significance (1 of 4 stars; one submission).

Conditions:
Immunodeficiency 23 (IMD23). Also called: IMMUNODEFICIENCY WITH HYPER IgE AND COGNITIVE IMPAIRMENT; IMMUNODEFICIENCY-VASCULITIS-MYOCLONUS SYNDROME. Identifiers: Orphanet 443811, MedGen C4014371, MONDO:0014353, OMIM 615816.

Submission:

Labcorp Genetics (formerly Invitae), Labcorp
Classification: Uncertain significance for Immunodeficiency 23. Last evaluated: 2021-04-08. Review status: criteria provided, single submitter. Criteria: Invitae Variant Classification Sherloc (09022015). Collection method: clinical testing. Allele origin: germline.
Comment: In summary, the available evidence is currently insufficient to determine the role of this variant in disease. Therefore, it has been classified as a Variant of Uncertain Significance. Algorithms developed to predict the effect of missense changes on protein structure and function are either unavailable or do not agree on the potential impact of this missense change (SIFT: "Not Available"; PolyPhen-2: "Benign"; Align-GVGD: "Not Available"). This variant has not been reported in the literature in individuals with PGM3-related conditions. The frequency data for this variant in the population databases is not available, as this variant may be reported as separate entries in the ExAC database. This sequence change replaces alanine with lysine at codon 508 of the PGM3 protein (p.Ala508Lys). The alanine residue is moderately conserved and there is a moderate physicochemical difference between alanine and lysine.